The following is an entry in ClinVar:

NM_144631.6(ZNF513):c.55+6G>A

Gene: ZNF513 (zinc finger protein 513; minus strand). Cytogenetic location: 2p23.3.
Variant type: single nucleotide variant.
Coding change: c.55+6G>A on transcript NM_144631.6 (MANE Select); 6 bases into the intron after coding-DNA position 55, G replaced by A.
Molecular consequence: intron variant.
Genome position (GRCh38, 1-based): chr2:27,380,466, C>T on the plus strand (G>A on the coding strand, the complement: ZNF513 is on the minus strand). VCF-style: chr2-27380466-C-T. GRCh37 (hg19) VCF-style: chr2-27603333-C-T.
Identifiers: ClinVar variation 2041420 (VCV002041420.4), dbSNP rs1683571824, ClinGen allele CA1240256936.

ClinVar aggregate classification (germline): Uncertain significance (1 of 4 stars; one submission).

Allele frequency attached by ClinVar (database versions not stated): TOPMed 0.00001.
gnomAD v4.1: 3 of 1,595,960 alleles (0.00019%); highest among the groups gnomAD compares: Admixed American, 0.0051%; no homozygotes.

Submission:

Labcorp Genetics (formerly Invitae), Labcorp
Classification: Uncertain significance. Last evaluated: 2022-04-16. Review status: criteria provided, single submitter. Criteria: Invitae Variant Classification Sherloc (09022015). Collection method: clinical testing. Allele origin: germline.
Comment: This variant has not been reported in the literature in individuals affected with ZNF513-related conditions. In summary, the available evidence is currently insufficient to determine the role of this variant in disease. Therefore, it has been classified as a Variant of Uncertain Significance. Variants that disrupt the consensus splice site are a relatively common cause of aberrant splicing (PMID: 17576681, 9536098). Algorithms developed to predict the effect of sequence changes on RNA splicing suggest that this variant may create or strengthen a splice site. This variant is not present in population databases (gnomAD no frequency). This sequence change falls in intron 1 of the ZNF513 gene. It does not directly change the encoded amino acid sequence of the ZNF513 protein. It affects a nucleotide within the consensus splice site.

Literature cited by the submitters: PubMed 17576681; PubMed 9536098.